The following is an entry in ClinVar:

ClinVar aggregate classification (germline): Pathogenic. Review status: criteria provided, multiple submitters, no conflicts (2 of 4 stars). 2 submissions from 2 submitters: Pathogenic (2). Last evaluated 2025-07-08.

Conditions:
Inborn genetic diseases. Identifiers: MedGen C0950123, MeSH D030342.
Polyglucosan body myopathy type 1 (PGBM1). Also called: Polyglucosan body myopathy 1 with or without immunodeficiency; POLYGLUCOSAN BODY MYOPATHY WITHOUT IMMUNODEFICIENCY. Identifiers: Orphanet 329173, Orphanet 397937, MedGen C4014605, MONDO:0014389, OMIM 615895.

Allele frequency attached by ClinVar (database versions not stated): gnomAD 0.00001; TOPMed 0.00001.

Submissions (2):

Labcorp Genetics (formerly Invitae), Labcorp
Classification: Pathogenic for Polyglucosan body myopathy type 1. Last evaluated: 2025-07-08. Review status: criteria provided, single submitter. Criteria: Invitae Variant Classification Sherloc (09022015). Collection method: clinical testing. Allele origin: germline.
Comment: This sequence change creates a premature translational stop signal (p.Tyr250Leufs*50) in the RBCK1 gene. It is expected to result in an absent or disrupted protein product. Loss-of-function variants in RBCK1 are known to be pathogenic (PMID: 2379848, 23104095, 23889995). This variant is not present in population databases (gnomAD no frequency). This variant has not been reported in the literature in individuals affected with RBCK1-related conditions. ClinVar contains an entry for this variant (Variation ID: 2229016). For these reasons, this variant has been classified as Pathogenic.

Ambry Genetics
Classification: Pathogenic for Inborn genetic diseases. Last evaluated: 2021-02-04. Review status: criteria provided, single submitter. Criteria: Ambry Variant Classification Scheme 2023. Collection method: clinical testing. Allele origin: germline.
Comment: The c.748dupT (p.Y250Lfs*50) alteration, located in coding exon 6 of the RBCK1 gene, consists of a duplication of T at position 748, causing a translational frameshift with a predicted alternate stop codon after 50 amino acids. This alteration is expected to result in loss of function by premature protein truncation or nonsense-mediated mRNA decay. Based on data from the Genome Aggregation Database (gnomAD), the RBCK1 c.748dupT alteration was not observed, with coverage at this position. Based on the available evidence, this alteration is classified as pathogenic.

Literature cited by the submitters: PubMed 2379848 (cited by Labcorp Genetics (formerly Invitae), Labcorp); PubMed 23104095 (cited by Labcorp Genetics (formerly Invitae), Labcorp); PubMed 23889995 (cited by Labcorp Genetics (formerly Invitae), Labcorp).

NM_031229.4(RBCK1):c.748dup (p.Tyr250fs)

Gene: RBCK1 (RANBP2-type and C3HC4-type zinc finger containing 1; plus strand). Cytogenetic location: 20p13.
Variant type: Duplication.
Coding change: c.748dup on transcript NM_031229.4 (MANE Select); coding-DNA position 748, one base duplicated (T; older notation c.748dupT).
Protein change: p.Tyr250fs; shifts the reading frame from tyrosine 250.
Molecular consequence: frameshift variant. On other transcripts: non-coding transcript variant (1).
Genome position (GRCh38, 1-based): chr20:419,723, T duplicated. VCF-style (leftmost placement, unchanged base first): chr20-419722-G-GT. GRCh37 (hg19) VCF-style: chr20-400366-G-GT.
Other names: c.399dup, p.Thr134fs (NM_001323956.2, NM_001323958.2); c.799dup, p.Tyr267Leufs (NM_001410770.1); c.622dup, p.Tyr208fs (NM_006462.6); short protein forms Y208fs, Y250fs, T134fs.
Identifiers: ClinVar variation 2229016 (VCV002229016.3), dbSNP rs1017569758, ClinGen allele CA310620180.